The following is an entry in ClinVar:

ClinVar aggregate classification (germline): Conflicting classifications of pathogenicity. Review status: criteria provided, conflicting classifications (1 of 4 stars). 5 submissions from 5 submitters: Pathogenic (1); Likely pathogenic (1); Uncertain significance (2). 1 of the submissions does not count toward it. Last evaluated 2026-07-16.

Conditions:
MAPT-related disorder. Also called: MAPT-Related Disorders; MAPT-related condition.
Frontotemporal dementia (FTD1). Also called: FRONTOTEMPORAL LOBAR DEGENERATION WITH TAU INCLUSIONS; FTLD WITH TAU INCLUSIONS; Frontotemporal lobe dementia (FLDEM); Frontotemporal Dementia with Parkinsonism-17 (FTDP-17); MULTIPLE SYSTEM TAUOPATHY WITH PRESENILE DEMENTIA; Dementia, frontotemporal, with or without parkinsonism. Identifiers: Orphanet 282, MedGen C0338451, MONDO:0017276, OMIM 600274, HP:0002145.

Allele frequency attached by ClinVar (database versions not stated): gnomAD 0.00002 and 0.00003; ExAC 0.00006; gnomAD exomes 0.00006; TOPMed 0.00007; 1000 Genomes Project 30x 0.00031; 1000 Genomes Project 0.00040.
gnomAD v4.1: 39 of 1,611,930 alleles (0.0024%); highest among the groups gnomAD compares: East Asian, 0.065%; no homozygotes.

Submissions (5):

Victorian Clinical Genetics Services, Murdoch Childrens Research Institute
Classification: Pathogenic for Frontotemporal dementia. Last evaluated: 2026-07-16. Review status: criteria provided, single submitter. Criteria: ACMG Guidelines, 2015. Collection method: clinical testing. Allele origin: germline.
Comment: This variant is classified as Pathogenic. Evidence in support of pathogenic classification: This variant is present in gnomAD <0.001 for a dominant condition (v4: 39 heterozygote(s), 0 homozygote(s)); This variant has strong previous evidence of pathogenicity in unrelated individuals. This variant has been classified as VUS and likely pathogenic by clinical laboratories in ClinVar. This variant has also been reported in the literature in individuals with frontotemporal dementia, parkinsonism features and amyotrophic lateral sclerosis (PMIDs: 11921059, 28923025, 35861376, 33580635, 38872230, 39254359, 26601740), however has also been reported in unaffected family members and controls with limited information of the age of these individuals (PMIDs: 22312439, 35861376); This variant has moderate functional evidence supporting abnormal protein function. In vitro studies demonstrate this variant is consistent with a toxic gain of function mechanism. This variant results in hyperphosphorylation of TAU oligomers, causing aggregation and degeneration of dopaminergic and hippocampal neurons (PMID: 42043652). Evidence in support of benign classification: Missense variant predicted to be tolerated by in silico tool(s) and/or not conserved in placental mammals with a minor amino acid change. Additional information: This variant is predicted to result in a missense amino acid change from Arg to His; This variant is heterozygous; This gene is associated with autosomal dominant disease; Alternative amino acid change(s) at the same position are present in gnomAD (highest allele count: v4: 8 heterozygote(s), 0 homozygote(s)); Variant is not located in an established domain, motif, hotspot or informative constraint region; Loss of function and gain of function are known mechanisms of disease in this gene and are associated with frontotemporal dementia 1, with or without parkinsonism (MIM#600274), Pick disease (MIM#172700), and progressive supranuclear palsy (MIM#601104); Variants in this gene are known to have variable expressivity. Interfamilial and intrafamilial phenotypic heterogeneity have been described (PMID: 23727082); Inheritance information for this variant is not currently available in this individual.

PreventionGenetics, part of Exact Sciences
Classification: Uncertain significance for MAPT-related condition. Last evaluated: 2025-07-14. Review status: criteria provided, single submitter. Criteria: ACMG Guidelines, 2015. Collection method: clinical testing. Allele origin: germline.
Comment: The MAPT c.14G>A variant is predicted to result in the amino acid substitution p.Arg5His. This variant has been reported in individuals with MAPT-related phenotypes and functional studies support its pathogenicity; however, the variant is also found in controls in some studies, and in 0.075% of alleles in individuals of East Asian descent in gnomAD (Hayashi et al. 2002. PubMed ID: 11921059; Cruchaga et al. 2012. PubMed ID: 22312439; Koriath et al. 2018. PubMed ID: 30279455; Hsu et al. 2021. PubMed ID: 33580635; Li et al. 2024. PubMed ID: 38701145; Nan et al. 2024. PubMed ID: 38872230). Two alternate missense changes at this amino acid position have also been reported in affected individuals, including one with functional studies supporting pathogenicity (Nan et al. 2024. PubMed ID: 38872230; Combs et al. 2012. PubMed ID: 23043292; Blauwendraat et al. 2019. PubMed ID: 30528841; Chang et al. 2008. PubMed ID: 18803694). Although we suspect this variant may be pathogenic (likely with reduced penetrance), at this time, the clinical significance of this variant is uncertain due to the absence of conclusive functional and genetic evidence.

Labcorp Genetics (formerly Invitae), Labcorp
Classification: Likely pathogenic for Frontotemporal dementia. Last evaluated: 2024-02-19. Review status: criteria provided, single submitter. Criteria: Invitae Variant Classification Sherloc (09022015). Collection method: clinical testing. Allele origin: germline.
Comment: This sequence change replaces arginine, which is basic and polar, with histidine, which is basic and polar, at codon 5 of the MAPT protein (p.Arg5His). This variant is present in population databases (rs63750959, gnomAD 0.06%). This missense change has been observed in individuals with MAPT-related conditions (PMID: 11921059, 22312439, 26200045, 26601740, 28462717, 28923025, 33580635). ClinVar contains an entry for this variant (Variation ID: 14261). An algorithm developed to predict the effect of missense changes on protein structure and function (PolyPhen-2) suggests that this variant is likely to be tolerated. Experimental studies have shown that this missense change affects MAPT function (PMID: 11921059). This variant disrupts the p.Arg5 amino acid residue in MAPT. Other variant(s) that disrupt this residue have been observed in individuals with MAPT-related conditions (PMID: 12325083, 34305575), which suggests that this may be a clinically significant amino acid residue. In summary, the currently available evidence indicates that the variant is pathogenic, but additional data are needed to prove that conclusively. Therefore, this variant has been classified as Likely Pathogenic.

GeneDx
Classification: Uncertain significance. Last evaluated: 2024-01-10. Review status: criteria provided, single submitter. Criteria: GeneDx Variant Classification Process June 2021. Collection method: clinical testing. Allele origin: germline. Affected: yes.
Comment: Identified in patients with frontotemporal lobar degeneration and dementia in published literature (PMID: 11921059, 22312439, 28923025, 33580635); Did not segregate with disease in one family in published literature (PMID: 22312439); In silico analysis supports that this missense variant does not alter protein structure/function; This variant is associated with the following publications: (PMID: 28462717, 26200045, 11921059, 30788857, 22312439, 28923025, 33580635, Leverenz_2011_Abstract, 30279455)

OMIM
Classification: Pathogenic for FRONTOTEMPORAL DEMENTIA 1. Last evaluated: 2002-04-01. Review status: no assertion criteria provided. Collection method: literature only. Allele origin: germline. Not counted in ClinVar's aggregate classification.

Literature cited by the submitters: PubMed 23727082 (cited by Victorian Clinical Genetics Services, Murdoch Childrens Research Institute); PubMed 38872230 (cited by Victorian Clinical Genetics Services, Murdoch Childrens Research Institute); PubMed 28923025 (cited by Victorian Clinical Genetics Services, Murdoch Childrens Research Institute and Labcorp Genetics (formerly Invitae), Labcorp); PubMed 42043652 (cited by Victorian Clinical Genetics Services, Murdoch Childrens Research Institute); PubMed 11921059 (cited by 3 submitters); PubMed 35861376 (cited by Victorian Clinical Genetics Services, Murdoch Childrens Research Institute); PubMed 39254359 (cited by Victorian Clinical Genetics Services, Murdoch Childrens Research Institute); PubMed 26601740 (cited by Victorian Clinical Genetics Services, Murdoch Childrens Research Institute and Labcorp Genetics (formerly Invitae), Labcorp); PubMed 22312439 (cited by Victorian Clinical Genetics Services, Murdoch Childrens Research Institute and Labcorp Genetics (formerly Invitae), Labcorp); PubMed 33580635 (cited by Victorian Clinical Genetics Services, Murdoch Childrens Research Institute and Labcorp Genetics (formerly Invitae), Labcorp); PubMed 26200045 (cited by Labcorp Genetics (formerly Invitae), Labcorp); PubMed 28462717 (cited by Labcorp Genetics (formerly Invitae), Labcorp); PubMed 12325083 (cited by Labcorp Genetics (formerly Invitae), Labcorp); PubMed 34305575 (cited by Labcorp Genetics (formerly Invitae), Labcorp).

NM_001377265.1(MAPT):c.14G>A (p.Arg5His)

Gene: MAPT (microtubule associated protein tau). Cytogenetic location: 17q21.31.
Variant type: single nucleotide variant.
Coding change: c.14G>A on transcript NM_001377265.1 (MANE Select); coding-DNA position 14, G replaced by A.
Protein change: p.Arg5His; replaces arginine 5 with histidine.
Molecular consequence: missense variant. On other transcripts: non-coding transcript variant (1).
Genome position (GRCh38, 1-based): chr17:45,962,351, G>A. VCF-style: chr17-45962351-G-A. GRCh37 (hg19) VCF-style: chr17-44039717-G-A.
Other names: c.14G>A, p.Arg5His (NM_001377266.1, NM_001377267.1, NM_001377268.1 and 8 more transcripts); c.14G>A (NM_001123066.3); short protein forms R5H.
Identifiers: ClinVar variation 14261 (VCV000014261.16), dbSNP rs63750959, ClinGen allele CA257191.